The following is an entry in ClinVar:

ClinVar aggregate classification (germline): Likely benign (1 of 4 stars; one submission).

Allele frequency attached by ClinVar (database versions not stated): ExAC 0.00400; gnomAD 0.00405; 1000 Genomes Project 30x 0.00422; 1000 Genomes Project 0.00439; TOPMed 0.00465.
gnomAD v4.1: 3,147 of 1,550,556 alleles (0.2%); highest among the groups gnomAD compares: Middle Eastern, 1.3%; 23 homozygotes.

Submission:

CeGaT Center for Human Genetics Tuebingen
Classification: Likely benign. Last evaluated: 2022-11-01. Review status: criteria provided, single submitter. Criteria: CeGaT Center For Human Genetics Tuebingen Variant Classification Criteria Version 2. Collection method: clinical testing. Allele origin: germline. Affected: yes. Observed: 3 variant alleles.
Comment: HMCN2: BP4, BP7, BS2

NM_001291815.2(HMCN2):c.12891G>A (p.Ala4297=)

Gene: HMCN2 (hemicentin 2; plus strand). Cytogenetic location: 9q34.11.
Variant type: single nucleotide variant.
Coding change: c.12891G>A on transcript NM_001291815.2 (MANE Select); coding-DNA position 12891, G replaced by A.
Protein change: p.Ala4297=; no amino-acid change (alanine 4297 retained).
Molecular consequence: synonymous variant.
Genome position (GRCh38, 1-based): chr9:130,410,582, G>A. VCF-style: chr9-130410582-G-A. GRCh37 (hg19) VCF-style: chr9-133285969-G-A.
Identifiers: ClinVar variation 2659601 (VCV002659601.24), dbSNP rs112661203, ClinGen allele CA5282730.